The following is an entry in ClinVar:

ClinVar aggregate classification (germline): Uncertain significance (1 of 4 stars; one submission).

Conditions:
LAMA2-related muscular dystrophy (LAMA2-RD). Also called: Laminin alpha 2-related dystrophy. Identifiers: MedGen C5679788, MONDO:0100228.
Congenital Muscular Dystrophy, LAMA2-related.

Allele frequency attached by ClinVar (database versions not stated): TOPMed 0.00002; ESP Exome Variant Server 0.00008.
gnomAD v4.1: 29 of 1,613,746 alleles (0.0018%); highest among the groups gnomAD compares: Non-Finnish European, 0.0025%; no homozygotes.

Submission:

Labcorp Genetics (formerly Invitae), Labcorp
Classification: Uncertain significance for LAMA2-related muscular dystrophy. Last evaluated: 2022-02-10. Review status: criteria provided, single submitter. Criteria: Invitae Variant Classification Sherloc (09022015). Collection method: clinical testing. Allele origin: germline.
Comment: This sequence change replaces alanine, which is neutral and non-polar, with valine, which is neutral and non-polar, at codon 1938 of the LAMA2 protein (p.Ala1938Val). This variant is present in population databases (rs376585927, gnomAD 0.007%). This variant has not been reported in the literature in individuals affected with LAMA2-related conditions. ClinVar contains an entry for this variant (Variation ID: 477493). Advanced modeling of protein sequence and biophysical properties (such as structural, functional, and spatial information, amino acid conservation, physicochemical variation, residue mobility, and thermodynamic stability) performed at Invitae indicates that this missense variant is not expected to disrupt LAMA2 protein function. In summary, the available evidence is currently insufficient to determine the role of this variant in disease. Therefore, it has been classified as a Variant of Uncertain Significance.

NM_000426.4(LAMA2):c.5813C>T (p.Ala1938Val)

Gene: LAMA2 (laminin subunit alpha 2; plus strand). Cytogenetic location: 6q22.33.
Variant type: single nucleotide variant.
Coding change: c.5813C>T on transcript NM_000426.4 (MANE Select); coding-DNA position 5813, C replaced by T.
Protein change: p.Ala1938Val; replaces alanine 1938 with valine.
Molecular consequence: missense variant.
Genome position (GRCh38, 1-based): chr6:129,403,907, C>T. VCF-style: chr6-129403907-C-T. GRCh37 (hg19) VCF-style: chr6-129725052-C-T.
Other names: c.5813C>T, p.Ala1938Val (NM_001079823.2); short protein forms A1938V.
Identifiers: ClinVar variation 477493 (VCV000477493.7), dbSNP rs376585927, ClinGen allele CA146892592.